The following is an entry in ClinVar:

ClinVar aggregate classification (germline): Pathogenic. Review status: criteria provided, multiple submitters, no conflicts (2 of 4 stars). 2 submissions from 2 submitters: Pathogenic (2). Last evaluated 2021-02-25.

Submissions (2):

Labcorp Genetics (formerly Invitae), Labcorp
Classification: Pathogenic. Last evaluated: 2021-02-25. Review status: criteria provided, single submitter. Criteria: Invitae Variant Classification Sherloc (09022015). Collection method: clinical testing. Allele origin: germline.
Comment: This sequence change creates a premature translational stop signal (p.Phe1123Serfs*29) in the COL4A5 gene. It is expected to result in an absent or disrupted protein product. Loss-of-function variants in COL4A5 are known to be pathogenic (PMID: 9195222, 10752524, 14514738, 24854265, 26809805). This variant is not present in population databases (ExAC no frequency). This variant has not been reported in the literature in individuals with COL4A5-related conditions. ClinVar contains an entry for this variant (Variation ID: 585542). For these reasons, this variant has been classified as Pathogenic.

Athena Diagnostics
Classification: Pathogenic. Last evaluated: 2017-11-20. Review status: criteria provided, single submitter. Criteria: Athena Diagnostics Criteria. Collection method: clinical testing. Allele origin: germline.

Literature cited by the submitters: PubMed 9195222 (cited by Labcorp Genetics (formerly Invitae), Labcorp); PubMed 10752524 (cited by Labcorp Genetics (formerly Invitae), Labcorp); PubMed 14514738 (cited by Labcorp Genetics (formerly Invitae), Labcorp); PubMed 24854265 (cited by Labcorp Genetics (formerly Invitae), Labcorp); PubMed 26809805 (cited by Labcorp Genetics (formerly Invitae), Labcorp).

NM_033380.3(COL4A5):c.3368del (p.Phe1123fs)

Gene: COL4A5 (collagen type IV alpha 5 chain; plus strand). Cytogenetic location: Xq22.3.
Variant type: Deletion.
Coding change: c.3368del on transcript NM_033380.3 (MANE Select); coding-DNA position 3368, one base deleted (T; older notation c.3368delT).
Protein change: p.Phe1123fs; shifts the reading frame from phenylalanine 1123.
Molecular consequence: frameshift variant.
Genome position (GRCh38, 1-based): chrX:108,655,452, T deleted; the last of 2 consecutive T bases (chrX:108,655,451-108,655,452); deleting either gives the same sequence. VCF-style (leftmost placement, unchanged base first): chrX-108655450-AT-A. GRCh37 (hg19) VCF-style: chrX-107898680-AT-A.
Other names: c.3368del, p.Phe1123fs (NM_000495.5); short protein forms F1123fs.
Identifiers: ClinVar variation 585542 (VCV000585542.6), dbSNP rs1569504092, ClinGen allele CA891843679.